The following is an entry in ClinVar:

ClinVar aggregate classification (germline): Pathogenic. Review status: criteria provided, single submitter (1 of 4 stars). 2 submissions from 2 submitters: Pathogenic (1). 1 of the submissions does not count toward it. Last evaluated 2023-04-24.

Conditions:
Familial juvenile hyperuricemic nephropathy type 1 (ADTKD1). Also called: UMOD-Associated Kidney Disease; Uromodulin-associated kidney disease; Autosomal Dominant Tubulointerstitial Kidney Disease – UMOD; Glomerulocystic kidney disease with hyperuricemia and isosthenuria; Medullary cystic kidney disease 2. Identifiers: Orphanet 209886, Orphanet 34149, Orphanet 88950, MedGen C4551496, MONDO:0008073, OMIM 162000.

Submissions (2):

Labcorp Genetics (formerly Invitae), Labcorp
Classification: Pathogenic. Last evaluated: 2023-04-24. Review status: criteria provided, single submitter. Criteria: Invitae Variant Classification Sherloc (09022015). Collection method: clinical testing. Allele origin: germline.
Comment: This missense change has been observed in individuals with autosomal dominant tubulointerstitial kidney disease (PMID: 12471200, 32450155). It has also been observed to segregate with disease in related individuals. For these reasons, this variant has been classified as Pathogenic. Advanced modeling of protein sequence and biophysical properties (such as structural, functional, and spatial information, amino acid conservation, physicochemical variation, residue mobility, and thermodynamic stability) has been performed at Invitae for this missense variant, however the output from this modeling did not meet the statistical confidence thresholds required to predict the impact of this variant on UMOD protein function. ClinVar contains an entry for this variant (Variation ID: 12255). This variant is not present in population databases (gnomAD no frequency). This sequence change replaces cysteine, which is neutral and slightly polar, with tyrosine, which is neutral and polar, at codon 148 of the UMOD protein (p.Cys148Tyr).

OMIM
Classification: Pathogenic for TUBULOINTERSTITIAL KIDNEY DISEASE, AUTOSOMAL DOMINANT 1. Last evaluated: 2002-12-01. Review status: no assertion criteria provided. Collection method: literature only. Allele origin: germline. Not counted in ClinVar's aggregate classification.

Literature cited by the submitters: PubMed 12471200 (cited by Labcorp Genetics (formerly Invitae), Labcorp and OMIM); PubMed 32450155 (cited by Labcorp Genetics (formerly Invitae), Labcorp).

NM_003361.4(UMOD):c.443G>A (p.Cys148Tyr)

Gene: UMOD (uromodulin; minus strand). Cytogenetic location: 16p12.3.
Variant type: single nucleotide variant.
Coding change: c.443G>A on transcript NM_003361.4 (MANE Select); coding-DNA position 443, G replaced by A.
Protein change: p.Cys148Tyr; replaces cysteine 148 with tyrosine.
Molecular consequence: missense variant. On other transcripts: non-coding transcript variant (1).
Genome position (GRCh38, 1-based): chr16:20,348,858, C>T on the plus strand (G>A on the coding strand, the complement: UMOD is on the minus strand). VCF-style: chr16-20348858-C-T. GRCh37 (hg19) VCF-style: chr16-20360180-C-T.
Other names: c.443G>A, p.Cys148Tyr (NM_001008389.3, NM_001378232.1, NM_001378233.1 and 3 more transcripts); c.542G>A, p.Cys181Tyr (NM_001278614.2); short protein forms C148Y, C181Y.
Identifiers: ClinVar variation 12255 (VCV000012255.10), dbSNP rs28934582, ClinGen allele CA256238.